The following is an entry in ClinVar:

ClinVar aggregate classification (germline): Uncertain significance. Review status: criteria provided, multiple submitters, no conflicts (2 of 4 stars). 5 submissions from 5 submitters: Uncertain significance (5). Last evaluated 2026-09-14.

Conditions:
Familial cancer of breast. Also called: BREAST CANCER, FAMILIAL; hereditary breast carcinoma; Hereditary breast cancer. Identifiers: Orphanet 227535, MedGen C0346153, MONDO:0016419, OMIM 114480. Disease mechanism: loss of function.
Breast and/or ovarian cancer. Identifiers: MedGen CN221562.
Hereditary cancer-predisposing syndrome. Also called: Neoplastic Syndromes, Hereditary; Tumor predisposition; Hereditary Cancer Syndrome; Hereditary neoplastic syndrome. Identifiers: Orphanet 140162, MedGen C0027672, MeSH D009386, MONDO:0015356.
CHEK2-related cancer predisposition (TPDS4). Also called: CANCER PREDISPOSITION SYNDROME, CHEK2-RELATED; CHEK2-related cancer susceptibility; TUMOR PREDISPOSITION SYNDROME 4. Identifiers: Orphanet 524, MedGen C5882668, MONDO:0700271, OMIM 609265.

Submissions (5):

Hema, HEMA – Genetic and Molecular Diagnostic Laboratory
Classification: Uncertain significance for CHEK2-related cancer predisposition. Last evaluated: 2026-09-14. Review status: criteria provided, single submitter. Criteria: HEMA Variant Classification Assertion Criteria. Collection method: clinical testing. Allele origin: germline.
Comment: The c.80A>C (p.Gln27Pro) variant is a transversion from thymine to guanine, resulting in the substitution of glutamine 275 by proline. PM2_Supporting: Absent in gnomAD.

Labcorp Genetics (formerly Invitae), Labcorp
Classification: Uncertain significance for Familial cancer of breast. Last evaluated: 2024-12-11. Review status: criteria provided, single submitter. Criteria: Invitae Variant Classification Sherloc (09022015). Collection method: clinical testing. Allele origin: germline.
Comment: This sequence change replaces glutamine, which is neutral and polar, with proline, which is neutral and non-polar, at codon 27 of the CHEK2 protein (p.Gln27Pro). This variant is not present in population databases (gnomAD no frequency). This variant has not been reported in the literature in individuals affected with CHEK2-related conditions. ClinVar contains an entry for this variant (Variation ID: 410025). An algorithm developed to predict the effect of missense changes on protein structure and function (PolyPhen-2) suggests that this variant is likely to be disruptive. In summary, the available evidence is currently insufficient to determine the role of this variant in disease. Therefore, it has been classified as a Variant of Uncertain Significance.

Ambry Genetics
Classification: Uncertain significance for Hereditary cancer-predisposing syndrome. Last evaluated: 2024-04-06. Review status: criteria provided, single submitter. Criteria: Ambry Variant Classification Scheme 2023. Collection method: clinical testing. Allele origin: germline.
Comment: The p.Q27P variant (also known as c.80A>C), located in coding exon 1 of the CHEK2 gene, results from an A to C substitution at nucleotide position 80. The glutamine at codon 27 is replaced by proline, an amino acid with similar properties. This amino acid position is highly conserved in available vertebrate species. In addition, this alteration is predicted to be deleterious by in silico analysis. Since supporting evidence is limited at this time, the clinical significance of this alteration remains unclear.

Color Diagnostics, LLC DBA Color Health
Classification: Uncertain significance for Hereditary cancer-predisposing syndrome. Last evaluated: 2024-03-07. Review status: criteria provided, single submitter. Criteria: ACMG Guidelines, 2015. Collection method: clinical testing. Allele origin: germline.
Comment: This missense variant replaces glutamine with proline at codon 27 of the CHEK2 protein. Computational prediction suggests that this variant may not impact protein structure and function. To our knowledge, functional studies have not been reported for this variant. This variant has not been reported in individuals affected with CHEK2-related disorders in the literature. This variant has not been identified in the general population by the Genome Aggregation Database (gnomAD). The available evidence is insufficient to determine the role of this variant in disease conclusively. Therefore, this variant is classified as a Variant of Uncertain Significance.

CHEO Genetics Diagnostic Laboratory, Children's Hospital of Eastern Ontario
Classification: Uncertain significance for Breast and/or ovarian cancer. Last evaluated: 2022-03-29. Review status: criteria provided, single submitter. Criteria: ACMG Guidelines, 2015. Collection method: clinical testing. Allele origin: germline.

NM_007194.4(CHEK2):c.80A>C (p.Gln27Pro)

Gene: CHEK2 (checkpoint kinase 2; minus strand). Cytogenetic location: 22q12.1.
Variant type: single nucleotide variant.
Coding change: c.80A>C on transcript NM_007194.4 (MANE Select); coding-DNA position 80, A replaced by C.
Protein change: p.Gln27Pro; replaces glutamine 27 with proline.
Molecular consequence: missense variant.
Genome position (GRCh38, 1-based): chr22:28,734,642, T>G on the plus strand (A>C on the coding strand, the complement: CHEK2 is on the minus strand). VCF-style: chr22-28734642-T-G. GRCh37 (hg19) VCF-style: chr22-29130630-T-G.
Other names: c.80A>C, p.Gln27Pro (NM_001005735.3, NM_001349956.3, NM_145862.3); c.-698A>C (NM_001257387.3); short protein forms Q27P.
Identifiers: ClinVar variation 410025 (VCV000410025.24), dbSNP rs1060502697, ClinGen allele CA16616579.